The following is an entry in ClinVar:

ClinVar aggregate classification (germline): Pathogenic (1 of 4 stars; one submission).

Conditions:
Hereditary cancer-predisposing syndrome. Also called: Tumor predisposition; Hereditary neoplastic syndrome; Hereditary Cancer Syndrome; Neoplastic Syndromes, Hereditary. Identifiers: Orphanet 140162, MedGen C0027672, MeSH D009386, MONDO:0015356.

Submission:

Ambry Genetics
Classification: Pathogenic for Hereditary cancer-predisposing syndrome. Last evaluated: 2023-12-07. Review status: criteria provided, single submitter. Criteria: Ambry Variant Classification Scheme 2023. Collection method: clinical testing. Allele origin: germline.
Comment: The c.1814_1818delATATAinsTAGATGG pathogenic mutation, located in coding exon 14 of the APC gene, results from the deletion of 5 nucleotides and insertion of 7 nucleotides causing a translational frameshift with a predicted alternate stop codon (p.D605Vfs*6). This variant is considered to be rare based on population cohorts in the Genome Aggregation Database (gnomAD). This alteration is expected to result in loss of function by premature protein truncation or nonsense-mediated mRNA decay. As such, this alteration is interpreted as a disease-causing mutation.

NM_000038.6(APC):c.1814_1818delinsTAGATGG (p.Asp605fs)

Gene: APC (APC regulator of Wnt signaling pathway; plus strand). Cytogenetic location: 5q22.2.
Variant type: Indel.
Coding change: c.1814_1818delinsTAGATGG on transcript NM_000038.6 (MANE Select); coding-DNA positions 1814 to 1818, ATATA replaced by TAGATGG.
Protein change: p.Asp605fs; shifts the reading frame from aspartic acid 605.
Molecular consequence: frameshift variant. On other transcripts: non-coding transcript variant (2).
Genome position (GRCh38, 1-based): chr5:112,835,021-112,835,025, ATATA replaced by TAGATGG. VCF-style: chr5-112835021-ATATA-TAGATGG. GRCh37 (hg19) VCF-style: chr5-112170718-ATATA-TAGATGG.
Other names: c.1814_1818delinsTAGATGG, p.Asp605fs (NM_001127510.3, NM_001354895.2, NM_001407450.1); c.1760_1764delinsTAGATGG, p.Asp587fs (NM_001127511.3); c.1868_1872delinsTAGATGG, p.Asp623fs (NM_001354896.2, NM_001407447.1, NM_001407448.1 and 1 more transcripts); c.1844_1848delinsTAGATGG, p.Asp615fs (NM_001354897.2); c.1739_1743delinsTAGATGG, p.Asp580fs (NM_001354898.2); c.1730_1734delinsTAGATGG, p.Asp577fs (NM_001354899.2); c.1691_1695delinsTAGATGG, p.Asp564fs (NM_001354900.2); c.1637_1641delinsTAGATGG, p.Asp546fs (NM_001354901.2, NM_001407453.1); and 11 more; short protein forms D221fs, D322fs, D445fs, D476fs, D479fs, D504fs, D514fs, D522fs.
Identifiers: ClinVar variation 3222039 (VCV003222039.1), dbSNP rs2533335332, ClinGen allele CA2825001357.